The following is an entry in ClinVar:

NM_002972.4(SBF1):c.1205C>T (p.Ala402Val)

Gene: SBF1 (SET binding factor 1; minus strand). Cytogenetic location: 22q13.33.
Variant type: single nucleotide variant.
Coding change: c.1205C>T on transcript NM_002972.4 (MANE Select); coding-DNA position 1205, C replaced by T.
Protein change: p.Ala402Val; replaces alanine 402 with valine.
Molecular consequence: missense variant.
Genome position (GRCh38, 1-based): chr22:50,465,128, G>A on the plus strand (C>T on the coding strand, the complement: SBF1 is on the minus strand). VCF-style: chr22-50465128-G-A. GRCh37 (hg19) VCF-style: chr22-50903557-G-A.
Other names: c.1208C>T, p.Ala403Val (NM_001365819.1, NM_001410794.1); c.1205C>T, p.Ala402Val (NM_001410795.1, NM_197971.1); short protein forms A402V, A403V.
Identifiers: ClinVar variation 1973516 (VCV001973516.3), dbSNP rs376486865, ClinGen allele CA412218527.

ClinVar aggregate classification (germline): Uncertain significance (1 of 4 stars; one submission).

gnomAD v4.1: 1 of 1,614,026 alleles (0.000062%); highest among the groups gnomAD compares: Non-Finnish European, 0.000085%; no homozygotes.

Submission:

Labcorp Genetics (formerly Invitae), Labcorp
Classification: Uncertain significance. Last evaluated: 2021-12-17. Review status: criteria provided, single submitter. Criteria: Invitae Variant Classification Sherloc (09022015). Collection method: clinical testing. Allele origin: germline.
Comment: In summary, the available evidence is currently insufficient to determine the role of this variant in disease. Therefore, it has been classified as a Variant of Uncertain Significance. Algorithms developed to predict the effect of sequence changes on RNA splicing suggest that this variant may create or strengthen a splice site. Algorithms developed to predict the effect of missense changes on protein structure and function are either unavailable or do not agree on the potential impact of this missense change (SIFT: "Deleterious"; PolyPhen-2: "Possibly Damaging"; Align-GVGD: "Class C0"). This variant has not been reported in the literature in individuals affected with SBF1-related conditions. This variant is not present in population databases (gnomAD no frequency). This sequence change replaces alanine, which is neutral and non-polar, with valine, which is neutral and non-polar, at codon 402 of the SBF1 protein (p.Ala402Val).